The following is an entry in ClinVar:

ClinVar aggregate classification (germline): Pathogenic/Likely pathogenic. Review status: criteria provided, multiple submitters, no conflicts (2 of 4 stars). 3 submissions from 3 submitters: Pathogenic (1); Likely pathogenic (2). Last evaluated 2025-11-06.

Conditions:
LRP5-related disorder. Also called: LRP5-related condition.

Submissions (3):

Labcorp Genetics (formerly Invitae), Labcorp
Classification: Pathogenic. Last evaluated: 2025-11-06. Review status: criteria provided, single submitter. Criteria: Invitae Variant Classification Sherloc (09022015). Collection method: clinical testing. Allele origin: germline.
Comment: This sequence change creates a premature translational stop signal (p.Leu1397Serfs*41) in the LRP5 gene. It is expected to result in an absent or disrupted protein product. Loss-of-function variants in LRP5 are known to be pathogenic (PMID: 11719191, 16252235, 25711638). This variant is not present in population databases (gnomAD no frequency). This variant has not been reported in the literature in individuals affected with LRP5-related conditions. For these reasons, this variant has been classified as Pathogenic.

PreventionGenetics, part of Exact Sciences
Classification: Likely pathogenic for LRP5-related condition. Last evaluated: 2024-10-14. Review status: criteria provided, single submitter. Criteria: ACMG Guidelines, 2015. Collection method: clinical testing. Allele origin: germline.
Comment: The LRP5 c.4189_4192delCTCT variant is predicted to result in a frameshift and premature protein termination (p.Leu1397Serfs*41). To our knowledge this variant has not been reported in the literature. This variant has not been reported in a large population database (gnomAD), indicating this variant is rare. Frameshift variants in LRP5 are an established mechanism of disease. This variant is interpreted as likely pathogenic.

Blueprint Genetics
Classification: Likely pathogenic for LRP5-related disorders. Last evaluated: 2021-07-12. Review status: criteria provided, single submitter. Criteria: ACMG Guidelines, 2015. Collection method: clinical testing. Allele origin: germline. Affected: yes. Observed: 3 variant alleles.

Literature cited by the submitters: PubMed 11719191 (cited by Labcorp Genetics (formerly Invitae), Labcorp); PubMed 16252235 (cited by Labcorp Genetics (formerly Invitae), Labcorp); PubMed 25711638 (cited by Labcorp Genetics (formerly Invitae), Labcorp).

NM_002335.4(LRP5):c.4189_4192del (p.Leu1397fs)

Gene: LRP5 (LDL receptor related protein 5; plus strand). Cytogenetic location: 11q13.2.
Variant type: Microsatellite.
Coding change: c.4189_4192del on transcript NM_002335.4 (MANE Select); coding-DNA positions 4189 to 4192, 4 bases deleted (CTCT; older notation c.4189_4192delCTCT).
Protein change: p.Leu1397fs; shifts the reading frame from leucine 1397.
Molecular consequence: frameshift variant.
Genome position (GRCh38, 1-based): chr11:68,438,523-68,438,526, CTCT deleted; deleting any 4 consecutive bases within chr11:68,438,517-68,438,526 gives the same sequence; the c. name uses the placement nearest the transcript's 3' end. VCF-style (leftmost placement, unchanged base first): chr11-68438516-CCTCT-C. GRCh37 (hg19) VCF-style: chr11-68205984-CCTCT-C.
Other names: c.2446_2449del, p.Leu816fs (NM_001291902.2); c.4189_4192delCTCT (NM_002335.3); short protein forms L1397fs, L816fs.
Identifiers: ClinVar variation 866932 (VCV000866932.6), dbSNP rs2098676296, ClinGen allele CA916083254.